The following is an entry in ClinVar:

ClinVar aggregate classification (germline): Uncertain significance (1 of 4 stars; one submission).

Submission:

Women's Health and Genetics/Laboratory Corporation of America, LabCorp
Classification: Uncertain significance. Last evaluated: 2026-06-04. Review status: criteria provided, single submitter. Criteria: LabCorp Variant Classification Summary - May 2015. Collection method: clinical testing. Allele origin: germline.
Comment: Variant summary: NEXMIF c.973A>T (p.Thr325Ser) results in a conservative amino acid change in the encoded protein sequence. Algorithms developed to predict the effect of missense changes on protein structure and function are either unavailable or do not agree on the potential impact of this missense change. The variant was absent in 182922 control chromosomes. The available data on variant occurrences in the general population are insufficient to allow any conclusion about variant significance. To our knowledge, no occurrence of c.973A>T in individuals affected with NEXMIF-related conditions and no experimental evidence demonstrating its impact on protein function have been reported. No submitters have cited clinical-significance assessments for this variant to ClinVar. Based on the evidence outlined above, the variant was classified as uncertain significance.

NM_001008537.3(NEXMIF):c.973A>T (p.Thr325Ser)

Gene: NEXMIF (neurite extension and migration factor; minus strand). Cytogenetic location: Xq13.3.
Variant type: single nucleotide variant.
Coding change: c.973A>T on transcript NM_001008537.3 (MANE Select); coding-DNA position 973, A replaced by T.
Protein change: p.Thr325Ser; replaces threonine 325 with serine.
Molecular consequence: missense variant.
Genome position (GRCh38, 1-based): chrX:74,743,584, T>A on the plus strand (A>T on the coding strand, the complement: NEXMIF is on the minus strand). VCF-style: chrX-74743584-T-A. GRCh37 (hg19) VCF-style: chrX-73963419-T-A.
Other names: short protein forms T325S.
Identifiers: ClinVar variation 4887500 (VCV004887500.1).
Genomic context (GRCh38, chrX:74,743,584, plus strand): 5'-AGGTAGTAAAGACGCTGGGAAAAAAGTTGAATTGGGCATCTTCCTGCATCAAAAGAGTAG[T>A]CTTGTCTCGAACATTGTCCTGAAAGGATTCATATCGAATTTTCAGGGAGCAGACATCACT-3'
Protein context (NP_001008537.1, residues 315-335): ESFQDNVRDK[Thr325Ser]TLLMQEDAQF